The following is an entry in ClinVar:

NM_024675.4(PALB2):c.2762del (p.Gln921fs)

Gene: PALB2 (partner and localizer of BRCA2; minus strand). Cytogenetic location: 16p12.2.
Variant type: Deletion.
Coding change: c.2762del on transcript NM_024675.4 (MANE Select); coding-DNA position 2762, one base deleted (A; older notation c.2762delA).
Protein change: p.Gln921fs; shifts the reading frame from glutamine 921.
Molecular consequence: frameshift variant.
Genome position (GRCh38, 1-based): chr16:23,624,081, T deleted on the plus strand (A on the coding strand, the reverse complement: PALB2 is on the minus strand). VCF-style (leftmost placement, unchanged base first): chr16-23624080-CT-C. GRCh37 (hg19) VCF-style: chr16-23635401-CT-C.
Other names: c.2762delA (NM_024675.3); short protein forms Q921fs.
Identifiers: ClinVar variation 572404 (VCV000572404.18), dbSNP rs1567214484, ClinGen allele CA891844515.
Genomic context (GRCh38, chr16:23,624,080, plus strand): 5'-GATTTCCAAATTTCCCAAAGCTACACACACGAGATTATACACATCAGGCACTGGAACTAT[CT>C]GTAATACTGGAACCTAAATAAAACAAAGCAGCCAAAAATTATGCTTGGTTGTTTCATTTT-3'

ClinVar aggregate classification (germline): Pathogenic. Review status: criteria provided, multiple submitters, no conflicts (2 of 4 stars). 5 submissions from 5 submitters: Pathogenic (5). Last evaluated 2025-10-14.

Conditions:
Familial cancer of breast. Also called: hereditary breast carcinoma; BREAST CANCER, FAMILIAL; Hereditary breast cancer. Identifiers: Orphanet 227535, MedGen C0346153, MONDO:0016419, OMIM 114480. Disease mechanism: loss of function.
Inherited breast cancer and ovarian cancer.
Hereditary cancer-predisposing syndrome. Also called: Neoplastic Syndromes, Hereditary; Hereditary Cancer Syndrome; Tumor predisposition; Hereditary neoplastic syndrome. Identifiers: Orphanet 140162, MedGen C0027672, MeSH D009386, MONDO:0015356.

Allele frequency attached by ClinVar (database versions not stated): gnomAD exomes below 0.00001.

Submissions (5):

Ambry Genetics
Classification: Pathogenic for Hereditary cancer-predisposing syndrome. Last evaluated: 2025-10-14. Review status: criteria provided, single submitter. Criteria: Ambry Variant Classification Scheme 2023. Collection method: clinical testing. Allele origin: germline.
Comment: The c.2762delA pathogenic mutation, located in coding exon 8 of the PALB2 gene, results from a deletion of one nucleotide at nucleotide position 2762, causing a translational frameshift with a predicted alternate stop codon (p.Q921Rfs*2). This variant is considered to be rare based on population cohorts in the Genome Aggregation Database (gnomAD). This alteration is expected to result in loss of function by premature protein truncation or nonsense-mediated mRNA decay. As such, this alteration is interpreted as a disease-causing mutation.

Genetics Laboratory, Great Ormond Street Hospital NHS Foundation Trust, North Thames Genomic Laboratory Hub
Classification: Pathogenic for Inherited breast cancer and ovarian cancer. Last evaluated: 2025-09-25. Review status: criteria provided, single submitter. Criteria: CanVIG PALB2 Gene Specific V1.2. Collection method: clinical testing. Allele origin: germline. Affected: yes.
Comment: PM2_supporting, PVS1_very-strong, PM5_supporting

Labcorp Genetics (formerly Invitae), Labcorp
Classification: Pathogenic for Familial cancer of breast. Last evaluated: 2024-05-19. Review status: criteria provided, single submitter. Criteria: Invitae Variant Classification Sherloc (09022015). Collection method: clinical testing. Allele origin: germline.
Comment: This sequence change creates a premature translational stop signal (p.Gln921Argfs*2) in the PALB2 gene. It is expected to result in an absent or disrupted protein product. Loss-of-function variants in PALB2 are known to be pathogenic (PMID: 17200668, 17200671, 17200672, 24136930, 25099575). This variant is not present in population databases (gnomAD no frequency). This premature translational stop signal has been observed in individual(s) with breast and/or ovarian cancer (PMID: 26911350). ClinVar contains an entry for this variant (Variation ID: 572404). For these reasons, this variant has been classified as Pathogenic.

Myriad Genetics, Inc.
Classification: Pathogenic for Familial cancer of breast. Last evaluated: 2023-09-13. Review status: criteria provided, single submitter. Criteria: Myriad Autosomal Dominant, Autosomal Recessive and X-Linked Classification Criteria (2023). Collection method: clinical testing. Allele origin: unknown.
Comment: This variant is considered pathogenic. This variant creates a frameshift predicted to result in premature protein truncation.

Color Diagnostics, LLC DBA Color Health
Classification: Pathogenic for Hereditary cancer-predisposing syndrome. Last evaluated: 2020-01-15. Review status: criteria provided, single submitter. Criteria: ACMG Guidelines, 2015. Collection method: clinical testing. Allele origin: germline.
Comment: This variant deletes 1 nucleotide in exon 8 of the PALB2 gene, creating a frameshift and premature translation stop signal. This variant is expected to result in an absent or non-functional protein product. This variant has not been identified in the general population by the Genome Aggregation Database (gnomAD). Loss of PALB2 function is a known mechanism of disease. Based on the available evidence, this variant is classified as Pathogenic.

Literature cited by the submitters: PubMed 26911350 (cited by Ambry Genetics and Labcorp Genetics (formerly Invitae), Labcorp); PubMed 29470806 (cited by Ambry Genetics); PubMed 17200668 (cited by Labcorp Genetics (formerly Invitae), Labcorp); PubMed 17200671 (cited by Labcorp Genetics (formerly Invitae), Labcorp); PubMed 17200672 (cited by Labcorp Genetics (formerly Invitae), Labcorp); PubMed 24136930 (cited by Labcorp Genetics (formerly Invitae), Labcorp); PubMed 25099575 (cited by Labcorp Genetics (formerly Invitae), Labcorp).